The following is an entry in ClinVar:

ClinVar aggregate classification (germline): Uncertain significance (1 of 4 stars; one submission).

gnomAD v4.1: 1 of 1,610,488 alleles (0.000062%); no homozygotes.

Submission:

CeGaT Center for Human Genetics Tuebingen
Classification: Uncertain significance. Last evaluated: 2023-02-01. Review status: criteria provided, single submitter. Criteria: CeGaT Center For Human Genetics Tuebingen Variant Classification Criteria Version 2. Collection method: clinical testing. Allele origin: germline. Affected: yes. Observed: 1 variant allele.
Comment: ACTN2: PM2, PP3

NM_001103.4(ACTN2):c.373G>A (p.Gly125Ser)

Gene: ACTN2 (actinin alpha 2; plus strand). Cytogenetic location: 1q43.
Variant type: single nucleotide variant.
Coding change: c.373G>A on transcript NM_001103.4 (MANE Select); coding-DNA position 373, G replaced by A.
Protein change: p.Gly125Ser; replaces glycine 125 with serine.
Molecular consequence: missense variant. On other transcripts: non-coding transcript variant (1).
Genome position (GRCh38, 1-based): chr1:236,720,116, G>A. VCF-style: chr1-236720116-G-A. GRCh37 (hg19) VCF-style: chr1-236883416-G-A.
Other names: c.373G>A, p.Gly125Ser (NM_001278343.2); c.-449G>A (NM_001278344.2); c.-574G>A (NM_001412150.1); short protein forms G125S.
Identifiers: ClinVar variation 2640108 (VCV002640108.24), dbSNP rs2527542808, ClinGen allele CA345373746.